The following is an entry in ClinVar:

ClinVar aggregate classification (germline): Benign. Review status: criteria provided, multiple submitters, no conflicts (2 of 4 stars). 7 submissions from 7 submitters: Benign (7). Last evaluated 2026-01-29.

Allele frequency attached by ClinVar (database versions not stated): gnomAD exomes 0.00208 and 0.00574; ExAC 0.00722; gnomAD 0.02301 and 0.02463; 1000 Genomes Project 0.02536; TOPMed 0.02582; 1000 Genomes Project 30x 0.02639; ESP Exome Variant Server 0.02730.
gnomAD v4.1: 6,697 of 1,614,096 alleles (0.41%); highest among the groups gnomAD compares: African/African-American, 7.8%; 237 homozygotes.

Submissions (7):

Labcorp Genetics (formerly Invitae), Labcorp
Classification: Benign. Last evaluated: 2026-01-29. Review status: criteria provided, single submitter. Criteria: Invitae Variant Classification Sherloc (09022015). Collection method: clinical testing. Allele origin: germline.

Mayo Clinic Laboratories, Mayo Clinic
Classification: Benign. Last evaluated: 2022-03-03. Review status: criteria provided, single submitter. Criteria: ACMG Guidelines, 2015. Collection method: clinical testing. Allele origin: germline. Observed: 22 variant alleles.

Athena Diagnostics
Classification: Benign. Last evaluated: 2019-02-15. Review status: criteria provided, single submitter. Criteria: Athena Diagnostics Criteria. Collection method: clinical testing. Allele origin: germline.

GeneDx
Classification: Benign. Last evaluated: 2017-10-05. Review status: criteria provided, single submitter. Criteria: GeneDx Variant Classification (06012015). Collection method: clinical testing. Allele origin: germline. Affected: yes.
Comment: This variant is considered likely benign or benign based on one or more of the following criteria: it is a conservative change, it occurs at a poorly conserved position in the protein, it is predicted to be benign by multiple in silico algorithms, and/or has population frequency not consistent with disease.

Laboratory for Molecular Medicine, Mass General Brigham Personalized Medicine
Classification: Benign. Last evaluated: 2012-05-07. Review status: criteria provided, single submitter. Criteria: LMM Criteria. Collection method: clinical testing. Allele origin: germline. Observed: 4 variant alleles.
Comment: "Ser427Ser in Exon 10 of TJP2: This variant is not expected to have clinical sig nificance because it does not alter an amino acid residue, is not located within the splice consensus sequence, and has been identified in 7.9% (294/3738) of Af rican American chromosomes from a broad population by the NHLBI Exome Sequencing Project (dbSNP rs17062723)."

Breakthrough Genomics
Classification: Benign. Review status: criteria provided, single submitter. Criteria: ACMG Guidelines, 2015. Collection method: not provided. Allele origin: germline. Inheritance: Autosomal recessive inheritance. Affected: yes.

PreventionGenetics, part of Exact Sciences
Classification: Benign. Review status: criteria provided, single submitter. Criteria: ACMG Guidelines, 2015. Collection method: clinical testing. Allele origin: germline.

NM_004817.4(TJP2):c.1350C>T (p.Ser450=)

Gene: TJP2 (tight junction protein 2; plus strand). Cytogenetic location: 9q21.11.
Variant type: single nucleotide variant.
Coding change: c.1350C>T on transcript NM_004817.4 (MANE Select); coding-DNA position 1350, C replaced by T.
Protein change: p.Ser450=; no amino-acid change (serine 450 retained).
Molecular consequence: synonymous variant.
Genome position (GRCh38, 1-based): chr9:69,228,011, C>T. VCF-style: chr9-69228011-C-T. GRCh37 (hg19) VCF-style: chr9-71842927-C-T.
Other names: p.Ser450=; c.1362C>T, p.Ser454= (NM_001170415.1, NM_001369874.1, NM_001369875.1); c.1443C>T, p.Ser481= (NM_001170416.2); c.1275C>T, p.Ser425= (NM_001369870.1); c.1281C>T, p.Ser427= (NM_001369871.1, NM_001170414.2); c.1350C>T, p.Ser450= (NM_001369872.1, NM_001369873.1, NM_201629.3).
Identifiers: ClinVar variation 165408 (VCV000165408.18), dbSNP rs17062723, ClinGen allele CA178167.
Genomic context (GRCh38, chr9:69,228,011, plus strand): 5'-TGAGACATTTACGTATGACATGTGATTCAGTTCCAGAGAGGACACGCCGAGCAGATTGTC[C>T]AGGATGGGTGCGACACCCACTCCCTTTAAGTCCACAGGGGATATTGCAGGCACAGTTGTC-3'
Protein context (NP_004808.2, residues 440-460): SSREDTPSRL[Ser450=]RMGATPTPFK